The following is an entry in ClinVar:

ClinVar aggregate classification (germline): Uncertain significance (1 of 4 stars; one submission).

Submission:

GeneDx
Classification: Uncertain significance. Last evaluated: 2024-06-03. Review status: criteria provided, single submitter. Criteria: GeneDx Variant Classification Process June 2021. Collection method: clinical testing. Allele origin: germline. Affected: yes.
Comment: Not observed at significant frequency in large population cohorts (gnomAD); In silico analysis supports that this missense variant has a deleterious effect on protein structure/function; Has not been previously published as pathogenic or benign to our knowledge

NM_003482.4(KMT2D):c.8287C>T (p.Pro2763Ser)

Gene: KMT2D (lysine methyltransferase 2D; minus strand). Cytogenetic location: 12q13.12.
Variant type: single nucleotide variant.
Coding change: c.8287C>T on transcript NM_003482.4 (MANE Select); coding-DNA position 8287, C replaced by T.
Protein change: p.Pro2763Ser; replaces proline 2763 with serine.
Molecular consequence: missense variant.
Genome position (GRCh38, 1-based): chr12:49,039,301, G>A on the plus strand (C>T on the coding strand, the complement: KMT2D is on the minus strand). VCF-style: chr12-49039301-G-A. GRCh37 (hg19) VCF-style: chr12-49433084-G-A.
Other names: short protein forms P2763S.
Identifiers: ClinVar variation 3384496 (VCV003384496.1).